The following is an entry in ClinVar:

NM_014314.4(RIGI):c.2036dup (p.Cys680fs)

Gene: RIGI (RNA sensor RIG-I; minus strand). Cytogenetic location: 9p21.1.
Variant type: Duplication.
Coding change: c.2036dup on transcript NM_014314.4 (MANE Select); coding-DNA position 2036, one base duplicated (A; older notation c.2036dupA).
Protein change: p.Cys680fs; shifts the reading frame from cysteine 680.
Molecular consequence: frameshift variant. On other transcripts: intron variant (1).
Genome position (GRCh38, 1-based): chr9:32,467,911, T duplicated on the plus strand (A on the coding strand, the reverse complement: RIGI is on the minus strand); the first of 2 consecutive T bases (chr9:32,467,911-32,467,912); duplicating either gives the same sequence. VCF-style (leftmost placement, unchanged base first): chr9-32467910-C-CT. GRCh37 (hg19) VCF-style: chr9-32467908-C-CT.
Other names: c.2015-1470dup (NM_001385909.1); c.2030dup, p.Cys678fs (NM_001385907.1); c.1595dup, p.Cys533fs (NM_001385910.1); c.1427dup, p.Cys477fs (NM_001385912.1); c.2021dup, p.Cys675fs (NM_001385913.1); c.1592dup, p.Cys532fs (NM_001385914.1); short protein forms C477fs, C675fs, C680fs, C678fs, C532fs, C533fs.
Identifiers: ClinVar variation 1431087 (VCV001431087.6), dbSNP rs2118693618, ClinGen allele CA2573144475.

ClinVar aggregate classification (germline): Uncertain significance (1 of 4 stars; one submission).

Submission:

Labcorp Genetics (formerly Invitae), Labcorp
Classification: Uncertain significance. Last evaluated: 2021-08-04. Review status: criteria provided, single submitter. Criteria: Invitae Variant Classification Sherloc (09022015). Collection method: clinical testing. Allele origin: germline.
Comment: This sequence change creates a premature translational stop signal (p.Cys680Valfs*22) in the DDX58 gene. It is expected to result in an absent or disrupted protein product. However, the current clinical and genetic evidence is not sufficient to establish whether loss-of-function variants in DDX58 cause disease. This variant is not present in population databases (ExAC no frequency). This variant has not been reported in the literature in individuals affected with DDX58-related conditions. In summary, the available evidence is currently insufficient to determine the role of this variant in disease. Therefore, it has been classified as a Variant of Uncertain Significance.